The following is an entry in ClinVar:

ClinVar aggregate classification (germline): Uncertain significance. Review status: criteria provided, multiple submitters, no conflicts (2 of 4 stars). 2 submissions from 2 submitters: Uncertain significance (2). Last evaluated 2024-04-04.

Conditions:
Hereditary cancer-predisposing syndrome. Also called: Neoplastic Syndromes, Hereditary; Hereditary Cancer Syndrome; Tumor predisposition; Hereditary neoplastic syndrome. Identifiers: Orphanet 140162, MedGen C0027672, MeSH D009386, MONDO:0015356.
Ataxia-telangiectasia syndrome (AT). Also called: LOUIS-BAR SYNDROME; Cerebello-oculocutaneous telangiectasia; Immunodeficiency with ataxia telangiectasia; Ataxia-telangiectasia, complementation group D; AT, COMPLEMENTATION GROUP C; Ataxia-telangiectasia, complementation group E. Identifiers: Orphanet 100, MedGen C0004135, MONDO:0008840, OMIM 208900.

Submissions (2):

Labcorp Genetics (formerly Invitae), Labcorp
Classification: Uncertain significance for Ataxia-telangiectasia syndrome. Last evaluated: 2024-04-04. Review status: criteria provided, single submitter. Criteria: Invitae Variant Classification Sherloc (09022015). Collection method: clinical testing. Allele origin: germline.
Comment: This sequence change replaces arginine, which is basic and polar, with methionine, which is neutral and non-polar, at codon 2175 of the ATM protein (p.Arg2175Met). This variant is not present in population databases (gnomAD no frequency). This variant has not been reported in the literature in individuals affected with ATM-related conditions. ClinVar contains an entry for this variant (Variation ID: 479104). An algorithm developed to predict the effect of missense changes on protein structure and function (PolyPhen-2) suggests that this variant is likely to be disruptive. In summary, the available evidence is currently insufficient to determine the role of this variant in disease. Therefore, it has been classified as a Variant of Uncertain Significance.

Ambry Genetics
Classification: Uncertain significance for Hereditary cancer-predisposing syndrome. Last evaluated: 2017-07-03. Review status: criteria provided, single submitter. Criteria: Ambry Variant Classification Scheme 2023. Collection method: clinical testing. Allele origin: germline.
Comment: The p.R2175M variant (also known as c.6524G>T), located in coding exon 44 of the ATM gene, results from a G to T substitution at nucleotide position 6524. The arginine at codon 2175 is replaced by methionine, an amino acid with similar properties. This amino acid position is well conserved in available vertebrate species. In addition, the in silico prediction for this alteration is inconclusive. Since supporting evidence is limited at this time, the clinical significance of this alteration remains unclear.

NM_000051.4(ATM):c.6524G>T (p.Arg2175Met)

Genes: ATM (ATM serine/threonine kinase; plus strand), C11orf65 (chromosome 11 open reading frame 65; minus strand). Cytogenetic location: 11q22.3.
Variant type: single nucleotide variant.
Coding change: c.6524G>T on transcript NM_000051.4 (MANE Select); coding-DNA position 6524, G replaced by T.
Protein change: p.Arg2175Met; replaces arginine 2175 with methionine.
Molecular consequence: missense variant. On other transcripts: intron variant (2).
Genome position (GRCh38, 1-based): chr11:108,321,372, G>T. VCF-style: chr11-108321372-G-T. GRCh37 (hg19) VCF-style: chr11-108192099-G-T.
Other names: c.6524G>T, p.Arg2175Met (NM_001351834.2); c.641-12301C>A (NM_001330368.2); c.*39-12301C>A (NM_001351110.2); short protein forms R2175M.
Identifiers: ClinVar variation 479104 (VCV000479104.13), dbSNP rs1555117188, ClinGen allele CA382554193.